The following is an entry in ClinVar:

NM_001042492.3(NF1):c.888+108C>T

Gene: NF1 (neurofibromin 1; plus strand). Cytogenetic location: 17q11.2.
Variant type: single nucleotide variant.
Coding change: c.888+108C>T on transcript NM_001042492.3 (MANE Select); 108 bases into the intron after coding-DNA position 888, C replaced by T.
Molecular consequence: intron variant.
Genome position (GRCh38, 1-based): chr17:31,182,773, C>T. VCF-style: chr17-31182773-C-T. GRCh37 (hg19) VCF-style: chr17-29509791-C-T.
Other names: c.888+108C>T (NM_000267.4, NM_001128147.3).
Identifiers: ClinVar variation 561465 (VCV000561465.2), dbSNP rs2953000, ClinGen allele CA15897718.

ClinVar aggregate classification (germline): Benign. Review status: criteria provided, multiple submitters, no conflicts (2 of 4 stars). 2 submissions from 2 submitters: Benign (2). Last evaluated 2018-06-20.

Allele frequency attached by ClinVar (database versions not stated): 1000 Genomes Project 30x 0.47111; 1000 Genomes Project 0.47804; TOPMed 0.53333; gnomAD 0.54585 and 0.54958; gnomAD exomes 0.66160.
gnomAD v4.1: 667,224 of 1,034,132 alleles (65%); highest among the groups gnomAD compares: Middle Eastern, 75%; 223,672 homozygotes.

Submissions (2):

GeneDx
Classification: Benign. Last evaluated: 2018-06-20. Review status: criteria provided, single submitter. Criteria: GeneDx Variant Classification (06012015). Collection method: clinical testing. Allele origin: germline. Affected: yes.
Comment: This variant is considered likely benign or benign based on one or more of the following criteria: it is a conservative change, it occurs at a poorly conserved position in the protein, it is predicted to be benign by multiple in silico algorithms, and/or has population frequency not consistent with disease.

Breakthrough Genomics
Classification: Benign. Review status: criteria provided, single submitter. Criteria: ACMG Guidelines, 2015. Collection method: not provided. Allele origin: germline. Inheritance: Autosomal dominant inheritance. Affected: yes.